The following is an entry in ClinVar:

NM_000548.5(TSC2):c.2437G>A (p.Val813Met)

Gene: TSC2 (TSC complex subunit 2; plus strand). Cytogenetic location: 16p13.3.
Variant type: single nucleotide variant.
Coding change: c.2437G>A on transcript NM_000548.5 (MANE Select); coding-DNA position 2437, G replaced by A.
Protein change: p.Val813Met; replaces valine 813 with methionine.
Molecular consequence: missense variant.
Genome position (GRCh38, 1-based): chr16:2,074,281, G>A. VCF-style: chr16-2074281-G-A. GRCh37 (hg19) VCF-style: chr16-2124282-G-A.
Other names: c.2437G>A (NM_000548.4); c.2437G>A, p.Val813Met (NM_001077183.3, NM_001114382.3, NM_001363528.2 and 3 more transcripts); c.2326G>A, p.Val776Met (NM_001318827.2); c.2290G>A, p.Val764Met (NM_001318829.2); c.1837G>A, p.Val613Met (NM_001318831.2); c.2470G>A, p.Val824Met (NM_001318832.2); short protein forms V813M, V764M, V776M, V613M, V824M.
Identifiers: ClinVar variation 467942 (VCV000467942.21), dbSNP rs375030314, ClinGen allele CA039041.

ClinVar aggregate classification (germline): Conflicting classifications of pathogenicity. Review status: criteria provided, conflicting classifications (1 of 4 stars). 7 submissions from 7 submitters: Uncertain significance (1); Likely benign (5). 1 of the submissions does not count toward it. Last evaluated 2026-06-26.

Conditions:
TSC2-related disorder. Also called: TSC2-Related Disorders; TSC2-related condition.
Ovarian cancer. Also called: OVARIAN CANCER, SOMATIC. Identifiers: Orphanet 213500, MedGen C1140680, MONDO:0008170, OMIM 167000.
Hereditary cancer-predisposing syndrome. Also called: Tumor predisposition; Hereditary neoplastic syndrome; Neoplastic Syndromes, Hereditary; Hereditary Cancer Syndrome. Identifiers: Orphanet 140162, MedGen C0027672, MeSH D009386, MONDO:0015356.
Tuberous sclerosis syndrome (TSC). Also called: Tuberous Sclerosis Complex; Tuberous sclerosis. Identifiers: Orphanet 805, MedGen C0041341, MONDO:0001734.
Tuberous sclerosis 2 (TSC2). Identifiers: Orphanet 805, MedGen C1860707, MONDO:0013199, OMIM 613254.

Allele frequency attached by ClinVar (database versions not stated): ExAC 0.00001; gnomAD exomes 0.00001 and 0.00002; TOPMed 0.00001; gnomAD 0.00002 and 0.00003; ESP Exome Variant Server 0.00008; 1000 Genomes Project 30x 0.00016; 1000 Genomes Project 0.00020.
gnomAD v4.1: 32 of 1,613,182 alleles (0.002%); highest among the groups gnomAD compares: Admixed American, 0.0033%; no homozygotes.

Submissions (7):

PreventionGenetics, part of Exact Sciences
Classification: Likely benign for TSC2-related condition. Last evaluated: 2026-06-26. Review status: criteria provided, single submitter. Criteria: ACMG Guidelines, 2015. Collection method: clinical testing. Allele origin: germline.
Comment: This variant is classified as likely benign based on ACMG/AMP sequence variant interpretation guidelines (Richards et al. 2015 PMID: 25741868, with internal and published modifications).

Labcorp Genetics (formerly Invitae), Labcorp
Classification: Likely benign for Tuberous sclerosis 2. Last evaluated: 2026-02-03. Review status: criteria provided, single submitter. Criteria: Invitae Variant Classification Sherloc (09022015). Collection method: clinical testing. Allele origin: germline.

Color Diagnostics, LLC DBA Color Health
Classification: Likely benign for Tuberous sclerosis syndrome. Last evaluated: 2025-06-24. Review status: criteria provided, single submitter. Criteria: ACMG Guidelines, 2015. Collection method: clinical testing. Allele origin: germline.

Ambry Genetics
Classification: Likely benign for Hereditary cancer-predisposing syndrome. Last evaluated: 2023-11-13. Review status: criteria provided, single submitter. Criteria: Ambry Variant Classification Scheme 2023. Collection method: clinical testing. Allele origin: germline.

All of Us Research Program, National Institutes of Health
Classification: Uncertain significance for Tuberous sclerosis syndrome. Last evaluated: 2023-04-03. Review status: criteria provided, single submitter. Criteria: ACMG Guidelines, 2015. Collection method: clinical testing. Allele origin: germline. Inheritance: Autosomal dominant inheritance. Observed: 1 variant allele, 1 heterozygote.
Comment: This missense variant replaces valine with methionine at codon 813 of the TSC2 protein. Computational prediction is inconclusive regarding the impact of this variant on protein structure and function (internally defined REVEL score threshold 0.5 < inconclusive < 0.7, PMID: 27666373). To our knowledge, functional studies have not been reported for this variant. This variant has not been reported in individuals affected with TSC2-related disorders in the literature. This variant has been identified in 3/250560 chromosomes in the general population by the Genome Aggregation Database (gnomAD). The available evidence is insufficient to determine the role of this variant in disease conclusively. Therefore, this variant is classified as a Variant of Uncertain Significance.

This study involves interpretation of variants in research participants for the purpose of population health screening. Participant phenotype was not available at the time of variant classification. Additional details can be found in publication PMID: 35346344, PMCID: PMC8962531

Genome-Nilou Lab
Classification: Likely benign for Tuberous sclerosis 2. Last evaluated: 2021-11-07. Review status: criteria provided, single submitter. Criteria: ACMG Guidelines, 2015. Collection method: clinical testing. Allele origin: germline. Affected: no.

Laboratory of Molecular Epidemiology of Birth Defects, West China Second University Hospital, Sichuan University
Classification: Likely pathogenic for Ovarian cancer. Last evaluated: 2022-01-01. Review status: flagged submission. Criteria: ACMG Guidelines, 2015. Collection method: clinical testing. Allele origin: germline. Affected: yes. Not counted in ClinVar's aggregate classification.
ClinVar note: Reason: Outlier claim with insufficient supporting evidence

Literature cited by the submitters: PubMed 29641532 (cited by Ambry Genetics).